The following is an entry in ClinVar:

ClinVar aggregate classification (germline): Uncertain significance (1 of 4 stars; one submission).

Conditions:
Familial adenomatous polyposis 1 (FAP1). Also called: FAMILIAL ADENOMATOUS POLYPOSIS 1, ATTENUATED; POLYPOSIS, ADENOMATOUS INTESTINAL. Identifiers: MedGen C2713442, MONDO:0021056, OMIM 175100. Disease mechanism: loss of function.

Submission:

Labcorp Genetics (formerly Invitae), Labcorp
Classification: Uncertain significance for Familial adenomatous polyposis 1. Last evaluated: 2025-10-29. Review status: criteria provided, single submitter. Criteria: Invitae Variant Classification Sherloc (09022015). Collection method: clinical testing. Allele origin: germline.
Comment: This sequence change replaces lysine, which is basic and polar, with threonine, which is neutral and polar, at codon 2380 of the APC protein (p.Lys2380Thr). This variant is not present in population databases (gnomAD no frequency). This variant has not been reported in the literature in individuals affected with APC-related conditions. Invitae Evidence Modeling of protein sequence and biophysical properties (such as structural, functional, and spatial information, amino acid conservation, physicochemical variation, residue mobility, and thermodynamic stability) indicates that this missense variant is not expected to disrupt APC protein function with a negative predictive value of 95%. In summary, the available evidence is currently insufficient to determine the role of this variant in disease. Therefore, it has been classified as a Variant of Uncertain Significance.

NM_000038.6(APC):c.7139A>C (p.Lys2380Thr)

Gene: APC (APC regulator of Wnt signaling pathway; plus strand). Cytogenetic location: 5q22.2.
Variant type: single nucleotide variant.
Coding change: c.7139A>C on transcript NM_000038.6 (MANE Select); coding-DNA position 7139, A replaced by C.
Protein change: p.Lys2380Thr; replaces lysine 2380 with threonine.
Molecular consequence: missense variant. On other transcripts: non-coding transcript variant (2).
Genome position (GRCh38, 1-based): chr5:112,842,733, A>C. VCF-style: chr5-112842733-A-C. GRCh37 (hg19) VCF-style: chr5-112178430-A-C.
Other names: c.7139A>C, p.Lys2380Thr (NM_001127510.3, NM_001354895.2, NM_001407450.1); c.7085A>C, p.Lys2362Thr (NM_001127511.3); c.7193A>C, p.Lys2398Thr (NM_001354896.2, NM_001407447.1, NM_001407448.1 and 1 more transcripts); c.7169A>C, p.Lys2390Thr (NM_001354897.2); c.7064A>C, p.Lys2355Thr (NM_001354898.2); c.7055A>C, p.Lys2352Thr (NM_001354899.2); c.7016A>C, p.Lys2339Thr (NM_001354900.2); c.6962A>C, p.Lys2321Thr (NM_001354901.2, NM_001407453.1); and 11 more; short protein forms K1996T, K2254T, K2352T, K2355T, K2220T, K2297T, K2321T, K2339T.
Identifiers: ClinVar variation 4690553 (VCV004690553.1).